The following is an entry in ClinVar:

ClinVar aggregate classification (germline): Uncertain significance (1 of 4 stars; one submission).

Conditions:
Episodic ataxia type 2 (EA2). Also called: ATAXIA, EPISODIC, WITH NYSTAGMUS; ATAXIA, FAMILIAL PAROXYSMAL; CEREBELLAR ATAXIA, PAROXYSMAL, ACETAZOLAMIDE-RESPONSIVE; CEREBELLOPATHY, HEREDITARY PAROXYSMAL; EPISODIC ATAXIA, NYSTAGMUS-ASSOCIATED; ACETAZOLAMIDE-RESPONSIVE HEREDITARY PAROXYSMAL CEREBELLAR ATAXIA. Identifiers: Orphanet 97, MedGen C1720416, MONDO:0007163, OMIM 108500.
Developmental and epileptic encephalopathy, 42 (DEE42A). Also called: DEVELOPMENTAL AND EPILEPTIC ENCEPHALOPATHY 42A; EPILEPTIC ENCEPHALOPATHY, EARLY INFANTILE, 42A; Epileptic encephalopathy, early infantile, 42. Identifiers: MedGen C4310716, MONDO:0014917, OMIM 617106.

Submission:

Labcorp Genetics (formerly Invitae), Labcorp
Classification: Uncertain significance for Developmental and epileptic encephalopathy, 42; Episodic ataxia type 2. Last evaluated: 2022-03-02. Review status: criteria provided, single submitter. Criteria: Invitae Variant Classification Sherloc (09022015). Collection method: clinical testing. Allele origin: germline.
Comment: In summary, the available evidence is currently insufficient to determine the role of this variant in disease. Therefore, it has been classified as a Variant of Uncertain Significance. Advanced modeling of protein sequence and biophysical properties (such as structural, functional, and spatial information, amino acid conservation, physicochemical variation, residue mobility, and thermodynamic stability) performed at Invitae indicates that this missense variant is expected to disrupt CACNA1A protein function. This variant has not been reported in the literature in individuals affected with CACNA1A-related conditions. This variant is not present in population databases (gnomAD no frequency). This sequence change replaces threonine, which is neutral and polar, with isoleucine, which is neutral and non-polar, at codon 1734 of the CACNA1A protein (p.Thr1734Ile).

NM_001127222.2(CACNA1A):c.5198C>T (p.Thr1733Ile)

Gene: CACNA1A (calcium voltage-gated channel subunit alpha1 A; minus strand). Cytogenetic location: 19p13.13.
Variant type: single nucleotide variant.
Coding change: c.5198C>T on transcript NM_001127222.2 (MANE Select); coding-DNA position 5198, C replaced by T.
Protein change: p.Thr1733Ile; replaces threonine 1733 with isoleucine.
Molecular consequence: missense variant.
Genome position (GRCh38, 1-based): chr19:13,234,972, G>A on the plus strand (C>T on the coding strand, the complement: CACNA1A is on the minus strand). VCF-style: chr19-13234972-G-A. GRCh37 (hg19) VCF-style: chr19-13345786-G-A.
Other names: c.5216C>T, p.Thr1739Ile (NM_000068.4, NM_023035.3); c.5201C>T, p.Thr1734Ile (NM_001127221.2); c.5207C>T, p.Thr1736Ile (NM_001174080.2); short protein forms T1739I, T1733I, T1734I, T1736I.
Identifiers: ClinVar variation 1359567 (VCV001359567.8), dbSNP rs2144646721, ClinGen allele CA404335629.